The following is an entry in ClinVar:

NM_001287491.2(TET3):c.4269C>A (p.Ser1423=)

Gene: TET3 (tet methylcytosine dioxygenase 3; plus strand). Cytogenetic location: 2p13.1.
Variant type: single nucleotide variant.
Coding change: c.4269C>A on transcript NM_001287491.2 (MANE Select); coding-DNA position 4269, C replaced by A.
Protein change: p.Ser1423=; no amino-acid change (serine 1423 retained).
Molecular consequence: synonymous variant.
Genome position (GRCh38, 1-based): chr2:74,101,057, C>A. VCF-style: chr2-74101057-C-A. GRCh37 (hg19) VCF-style: chr2-74328184-C-A.
Other names: c.3990C>A, p.Ser1330= (NM_001366022.1); c.3864C>A, p.Ser1288= (NM_144993.1).
Identifiers: ClinVar variation 2651051 (VCV002651051.24), dbSNP rs371958277, ClinGen allele CA427028831.
Genomic context (GRCh38, chr2:74,101,057, plus strand): 5'-GCTGACCCAGGCTGAGCCTGTGCCCAGAGACGCTGGCAAGATGGGCAAGACACCTCTGTC[C>A]GAGGTGTCTCAGAATGGAGGACCCAGTCACCTTTGGGGACAGTACTCAGGAGGCCCAAGC-3'
Protein context (NP_001274420.1, residues 1413-1433): DAGKMGKTPL[Ser1423=]EVSQNGGPSH

ClinVar aggregate classification (germline): Likely benign (1 of 4 stars; one submission).

Submission:

CeGaT Center for Human Genetics Tuebingen
Classification: Likely benign. Last evaluated: 2023-04-01. Review status: criteria provided, single submitter. Criteria: CeGaT Center For Human Genetics Tuebingen Variant Classification Criteria Version 2. Collection method: clinical testing. Allele origin: germline. Affected: yes. Observed: 2 variant alleles.
Comment: TET3: PM2:Supporting, BP4, BP7